The following is an entry in ClinVar:

ClinVar aggregate classification (germline): Uncertain significance (1 of 4 stars; one submission).

Conditions:
Alzheimer disease. Also called: Presenile and senile dementia; Alzheimer's disease. Identifiers: Orphanet 1020, MedGen C0002395, MeSH D000544, MONDO:0004975, HP:0002511.

Submission:

Labcorp Genetics (formerly Invitae), Labcorp
Classification: Uncertain significance for Alzheimer disease. Last evaluated: 2021-11-09. Review status: criteria provided, single submitter. Criteria: Invitae Variant Classification Sherloc (09022015). Collection method: clinical testing. Allele origin: germline.
Comment: In summary, the available evidence is currently insufficient to determine the role of this variant in disease. Therefore, it has been classified as a Variant of Uncertain Significance. Experimental studies and prediction algorithms are not available or were not evaluated, and the functional significance of this variant is currently unknown. This variant has not been reported in the literature in individuals affected with APP-related conditions. This variant is present in population databases (no rsID available, gnomAD 0.0009%). This variant, c.735_746del, results in the deletion of 4 amino acid(s) of the APP protein (p.Asp245_Asp248del), but otherwise preserves the integrity of the reading frame.

NM_000484.4(APP):c.735_746del (p.Asp245_Asp248del)

Gene: APP (amyloid beta precursor protein; minus strand). Cytogenetic location: 21q21.3.
Variant type: Deletion.
Coding change: c.735_746del on transcript NM_000484.4 (MANE Select); coding-DNA positions 735 to 746, 12 bases deleted (CGAGGACGATGA).
Protein change: p.Asp245_Asp248del.
Molecular consequence: inframe deletion.
Genome position (GRCh38, 1-based): chr21:26,021,959-26,021,970, TCATCGTCCTCG deleted on the plus strand (CGAGGACGATGA on the coding strand, the reverse complement: APP is on the minus strand); deleting any 12 consecutive bases within chr21:26,021,959-26,021,975 gives the same sequence; the c. name uses the placement nearest the transcript's 3' end. VCF-style (leftmost placement, unchanged base first): chr21-26021958-CTCATCGTCCTCG-C. GRCh37 (hg19) VCF-style: chr21-27394274-CTCATCGTCCTCG-C.
Other names: c.720_731del, p.Asp240_Asp243del (NM_001136016.3); c.567_578del, p.Asp189_Asp192del (NM_001136129.3, NM_001136130.3); c.630_641del, p.Asp210_Asp213del (NM_001136131.3); c.735_746del, p.Asp245_Asp248del (NM_001204301.2, NM_001204302.2, NM_001204303.2 and 3 more transcripts).
Identifiers: ClinVar variation 1364778 (VCV001364778.6), dbSNP rs1398952170, ClinGen allele CA637622072.